The following is an entry in ClinVar:

NM_152703.5(SAMD9L):c.2219ATC[2] (p.His742del)

Gene: SAMD9L (sterile alpha motif domain containing 9 like; minus strand). Cytogenetic location: 7q21.2.
Variant type: Microsatellite.
Coding change: c.2219ATC[2] on transcript NM_152703.5 (MANE Select); two copies in a row of the 3-base unit ATC starting at c.2219; the reference has three copies in a row; one copy, 3 bases deleted.
Protein change: p.His742del; deletes histidine 742.
Genome position (GRCh38, 1-based): chr7:93,133,745-93,133,747, GAT deleted on the plus strand (ATC on the coding strand, the reverse complement: SAMD9L is on the minus strand); deleting any 3 consecutive bases within chr7:93,133,745-93,133,753 gives the same sequence; the position shown is the placement nearest the transcript's 3' end. VCF-style (leftmost placement, unchanged base first): chr7-93133744-GGAT-G. GRCh37 (hg19) VCF-style: chr7-92763057-GGAT-G.
Other names: c.2219ATC[2], p.His742del (NM_001303496.3, NM_001303497.3, NM_001303498.3 and 5 more transcripts); short protein forms H742del.
Identifiers: ClinVar variation 3364373 (VCV003364373.1).

ClinVar aggregate classification (germline): Uncertain significance (1 of 4 stars; one submission).

Submission:

GeneDx
Classification: Uncertain significance. Last evaluated: 2023-11-20. Review status: criteria provided, single submitter. Criteria: GeneDx Variant Classification Process June 2021. Collection method: clinical testing. Allele origin: germline. Affected: yes.
Comment: In-frame deletion of 1 amino acid in a non-repeat region; Not observed at significant frequency in large population cohorts (gnomAD); Has not been previously published as pathogenic or benign to our knowledge; In silico analysis supports a deleterious effect on protein structure/function; Located in the P-loop NTPase (P-loop-containing nucleoside triphosphate hydrolase) domain (PMID: 28545555); This variant is associated with the following publications: (PMID: 28545555)